The following is an entry in ClinVar:

NM_001128840.3(CACNA1D):c.2433G>C (p.Glu811Asp)

Gene: CACNA1D (calcium voltage-gated channel subunit alpha1 D; plus strand). Cytogenetic location: 3p21.1.
Variant type: single nucleotide variant.
Coding change: c.2433G>C on transcript NM_001128840.3 (MANE Select); coding-DNA position 2433, G replaced by C.
Protein change: p.Glu811Asp; replaces glutamic acid 811 with aspartic acid.
Molecular consequence: missense variant.
Genome position (GRCh38, 1-based): chr3:53,732,042, G>C. VCF-style: chr3-53732042-G-C. GRCh37 (hg19) VCF-style: chr3-53766069-G-C.
Other names: c.2493G>C, p.Glu831Asp (NM_000720.4); c.2433G>C, p.Glu811Asp (NM_001128839.3); short protein forms E811D, E831D.
Identifiers: ClinVar variation 4807293 (VCV004807293.1).

ClinVar aggregate classification (germline): Uncertain significance (1 of 4 stars; one submission).

Submission:

Labcorp Genetics (formerly Invitae), Labcorp
Classification: Uncertain significance. Last evaluated: 2025-12-01. Review status: criteria provided, single submitter. Criteria: Invitae Variant Classification Sherloc (09022015). Collection method: clinical testing. Allele origin: germline.
Comment: This sequence change replaces glutamic acid, which is acidic and polar, with aspartic acid, which is acidic and polar, at codon 831 of the CACNA1D protein (p.Glu831Asp). This variant is not present in population databases (gnomAD no frequency). This variant has not been reported in the literature in individuals affected with CACNA1D-related conditions. Invitae Evidence Modeling of protein sequence and biophysical properties (such as structural, functional, and spatial information, amino acid conservation, physicochemical variation, residue mobility, and thermodynamic stability) indicates that this missense variant is not expected to disrupt CACNA1D protein function with a negative predictive value of 80%. In summary, the available evidence is currently insufficient to determine the role of this variant in disease. Therefore, it has been classified as a Variant of Uncertain Significance.